The following is an entry in ClinVar:

NM_012309.5(SHANK2):c.132G>A (p.Pro44=)

Gene: SHANK2 (SH3 and multiple ankyrin repeat domains 2; minus strand). Cytogenetic location: 11q13.4.
Variant type: single nucleotide variant.
Coding change: c.132G>A on transcript NM_012309.5 (MANE Select); coding-DNA position 132, G replaced by A.
Protein change: p.Pro44=; no amino-acid change (proline 44 retained).
Molecular consequence: synonymous variant.
Genome position (GRCh38, 1-based): chr11:71,147,195, C>T on the plus strand (G>A on the coding strand, the complement: SHANK2 is on the minus strand). VCF-style: chr11-71147195-C-T. GRCh37 (hg19) VCF-style: chr11-70858241-C-T.
Other names: c.132G>A (NM_012309.3).
Identifiers: ClinVar variation 3031189 (VCV003031189.3), dbSNP rs781962815, ClinGen allele CA6162177.

ClinVar aggregate classification (germline): Likely benign. Review status: criteria provided, single submitter (1 of 4 stars). 2 submissions from 2 submitters: Likely benign (1). 1 of the submissions does not count toward it. Last evaluated 2025-06-11.

Conditions:
Inborn genetic diseases. Identifiers: MedGen C0950123, MeSH D030342.
SHANK2-related disorder.

Allele frequency attached by ClinVar (database versions not stated): TOPMed 0.00002; ExAC 0.00005; gnomAD 0.00001; gnomAD exomes 0.00002.
gnomAD v4.1: 33 of 1,550,606 alleles (0.0021%); highest among the groups gnomAD compares: Admixed American, 0.0078%; no homozygotes.

Submissions (2):

Ambry Genetics
Classification: Likely benign for Inborn genetic diseases. Last evaluated: 2025-06-11. Review status: criteria provided, single submitter. Criteria: Ambry Variant Classification Scheme 2023. Collection method: clinical testing. Allele origin: germline.

PreventionGenetics, part of Exact Sciences
Classification: Likely benign for SHANK2-related condition. Last evaluated: 2021-04-16. Review status: no assertion criteria provided. Collection method: clinical testing. Allele origin: germline. Not counted in ClinVar's aggregate classification.
Comment: This variant is classified as likely benign based on ACMG/AMP sequence variant interpretation guidelines (Richards et al. 2015 PMID: 25741868, with internal and published modifications).